The following is an entry in ClinVar:

NM_080680.3(COL11A2):c.2081G>A (p.Gly694Glu)

Gene: COL11A2 (collagen type XI alpha 2 chain; minus strand). Cytogenetic location: 6p21.32.
Variant type: single nucleotide variant.
Coding change: c.2081G>A on transcript NM_080680.3 (MANE Select); coding-DNA position 2081, G replaced by A.
Protein change: p.Gly694Glu; replaces glycine 694 with glutamic acid.
Molecular consequence: missense variant.
Genome position (GRCh38, 1-based): chr6:33,176,755, C>T on the plus strand (G>A on the coding strand, the complement: COL11A2 is on the minus strand). VCF-style: chr6-33176755-C-T. GRCh37 (hg19) VCF-style: chr6-33144532-C-T.
Other names: c.1760G>A, p.Gly587Glu (NM_080679.3); c.1823G>A, p.Gly608Glu (NM_080681.3); short protein forms G587E, G608E, G694E.
Identifiers: ClinVar variation 1304392 (VCV001304392.3), dbSNP rs2150570093, ClinGen allele CA363651071.

ClinVar aggregate classification (germline): Uncertain significance. Review status: criteria provided, multiple submitters, no conflicts (2 of 4 stars). 2 submissions from 2 submitters: Uncertain significance (2). Last evaluated 2025-11-05.

Submissions (2):

Labcorp Genetics (formerly Invitae), Labcorp
Classification: Uncertain significance. Last evaluated: 2025-11-05. Review status: criteria provided, single submitter. Criteria: Invitae Variant Classification Sherloc (09022015). Collection method: clinical testing. Allele origin: germline.
Comment: This sequence change replaces glycine, which is neutral and non-polar, with glutamic acid, which is acidic and polar, at codon 694 of the COL11A2 protein (p.Gly694Glu). This variant is not present in population databases (gnomAD no frequency). This variant has not been reported in the literature in individuals affected with COL11A2-related conditions. ClinVar contains an entry for this variant (Variation ID: 1304392). Invitae Evidence Modeling of protein sequence and biophysical properties (such as structural, functional, and spatial information, amino acid conservation, physicochemical variation, residue mobility, and thermodynamic stability) indicates that this missense variant is expected to disrupt COL11A2 protein function with a positive predictive value of 95%. In summary, the available evidence is currently insufficient to determine the role of this variant in disease. Therefore, it has been classified as a Variant of Uncertain Significance.

GeneDx
Classification: Uncertain significance. Last evaluated: 2019-09-25. Review status: criteria provided, single submitter. Criteria: GeneDx Variant Classification Process June 2021. Collection method: clinical testing. Allele origin: germline. Affected: yes.
Comment: Not observed in large population cohorts (Lek et al., 2016); In silico analysis, which includes protein predictors and evolutionary conservation, supports a deleterious effect; Has not been previously published as pathogenic or benign to our knowledge